The following is an entry in ClinVar:

ClinVar aggregate classification (germline): Likely benign. Review status: criteria provided, single submitter (1 of 4 stars). 2 submissions from 2 submitters: Likely benign (1). 1 of the submissions does not count toward it. Last evaluated 2026-02-01.

Conditions:
DPM1-related disorder. Also called: DPM1-related condition.

Allele frequency attached by ClinVar (database versions not stated): gnomAD exomes 0.00016; 1000 Genomes Project 30x 0.00094; 1000 Genomes Project 0.00100; gnomAD 0.00143; ExAC 0.00165.
gnomAD v4.1: 310 of 728,702 alleles (0.043%); highest among the groups gnomAD compares: African/African-American, 0.51%; 1 homozygote.

Submissions (2):

CeGaT Center for Human Genetics Tuebingen
Classification: Likely benign. Last evaluated: 2026-02-01. Review status: criteria provided, single submitter. Criteria: CeGaT Center For Human Genetics Tuebingen Variant Classification Criteria Version 2. Collection method: clinical testing. Allele origin: germline. Affected: yes. Observed: 1 variant allele.
Comment: DPM1: BP4, BP7

PreventionGenetics, part of Exact Sciences
Classification: Likely benign for DPM1-related condition. Last evaluated: 2019-08-13. Review status: no assertion criteria provided. Collection method: clinical testing. Allele origin: germline. Not counted in ClinVar's aggregate classification.
Comment: This variant is classified as likely benign based on ACMG/AMP sequence variant interpretation guidelines (Richards et al. 2015 PMID: 25741868, with internal and published modifications).

NM_003859.3(DPM1):c.495-174C>T

Genes: ADNP-AS1 (ADNP antisense RNA 1; plus strand), DPM1 (dolichyl-phosphate mannosyltransferase subunit 1, catalytic; minus strand). Cytogenetic location: 20q13.13.
Variant type: single nucleotide variant.
Coding change: c.495-174C>T on transcript NM_003859.3 (MANE Select); 174 bases into the intron before coding-DNA position 495, C replaced by T.
Molecular consequence: intron variant. On other transcripts: synonymous variant (1).
Genome position (GRCh38, 1-based): chr20:50,941,107, G>A on the plus strand (C>T on the coding strand, the complement: DPM1 is on the minus strand). VCF-style: chr20-50941107-G-A. GRCh37 (hg19) VCF-style: chr20-49557644-G-A.
Other names: c.597C>T, p.Ala199= (NM_001317034.1); c.494+924C>T (NM_001317036.1); c.575+22C>T (NM_001317035.1).
Identifiers: ClinVar variation 3052672 (VCV003052672.6), dbSNP rs555613895, ClinGen allele CA9909078.